The following is an entry in ClinVar:

ClinVar aggregate classification (germline): Pathogenic (1 of 4 stars; one submission).

Conditions:
Bainbridge-Ropers syndrome. Also called: Severe feeding difficulties-failure to thrive-microcephaly due to ASXL3 deficiency syndrome. Identifiers: Orphanet 352577, MedGen C4750837, MONDO:0014205, OMIM 615485.

Submission:

Broad Center for Mendelian Genomics, Broad Institute of MIT and Harvard
Classification: Pathogenic for Bainbridge-Ropers syndrome. Last evaluated: 2023-01-25. Review status: criteria provided, single submitter. Criteria: ACMG Guidelines, 2015. Collection method: curation. Allele origin: germline. Inheritance: Autosomal dominant inheritance.
Comment: Trio exome analysis showed this variant to be de novo. This variant was absent from large population studies. This variant is predicted to cause a frameshift, which alters the protein‚Äôs amino acid sequence beginning at position 655 and leads to a premature termination codon 1 amino acids downstream. This alteration is then predicted to lead to a truncated or absent protein. Heterozygous loss of function of the ASXL3 gene is an established disease mechanism in Bainbridge-Ropers syndrome. In summary, this variant meets criteria to be classified as pathogenic for autosomal dominant Bainbridge-Ropers syndrome. ACMG/AMP Criteria applied: PVS1, PS2_Moderate, PM2_Supporting (Richards 2015).

NM_030632.3(ASXL3):c.1961_1962insA (p.Ser654_Ser655insTer)

Gene: ASXL3 (ASXL transcriptional regulator 3; plus strand). Cytogenetic location: 18q12.1.
Variant type: Insertion.
Coding change: c.1961_1962insA on transcript NM_030632.3 (MANE Select); coding-DNA positions 1961 to 1962, A inserted.
Protein change: p.Ser654_Ser655insTer.
Molecular consequence: frameshift variant.
Genome position: GRCh38 VCF-style: chr18-33739365-C-CA. GRCh37 (hg19) VCF-style: chr18-31319329-C-CA.
Other names: NM_030632.3:c.1961_1962insA.
Identifiers: ClinVar variation 2412756 (VCV002412756.1), dbSNP rs2510918263, ClinGen allele CA2573332498.